The following is an entry in ClinVar:

ClinVar aggregate classification (germline): Uncertain significance (1 of 4 stars; one submission).

Conditions:
Bethlem myopathy 1A. Also called: Bethlem Muscular Dystrophy; MYOPATHY, BENIGN CONGENITAL, WITH CONTRACTURES; Bethlem myopathy 1. Identifiers: Orphanet 610, MedGen CN029274, MONDO:0024530, OMIM 158810.

gnomAD v4.1: 2 of 1,610,258 alleles (0.00012%); highest among the groups gnomAD compares: Non-Finnish European, 0.00017%; no homozygotes.

Submission:

Labcorp Genetics (formerly Invitae), Labcorp
Classification: Uncertain significance for Bethlem myopathy 1A. Last evaluated: 2017-06-02. Review status: criteria provided, single submitter. Criteria: Invitae Variant Classification Sherloc (09022015). Collection method: clinical testing. Allele origin: germline.
Comment: In summary, this variant is a novel missense change with uncertain impact on protein function. It has been classified as a Variant of Uncertain Significance. Algorithms developed to predict the effect of missense changes on protein structure and function do not agree on the potential impact of this missense change (SIFT: "Tolerated"; PolyPhen-2: "Unknown"; Align-GVGD: "Class C0"). This variant is not present in population databases (ExAC no frequency) and has not been reported in the literature in individuals with a COL6A3-related disease. This sequence change replaces proline with threonine at codon 2328 of the COL6A3 protein (p.Pro2328Thr). The proline residue is moderately conserved and there is a small physicochemical difference between proline and threonine.

NM_004369.4(COL6A3):c.6982C>A (p.Pro2328Thr)

Gene: COL6A3 (collagen type VI alpha 3 chain; minus strand). Cytogenetic location: 2q37.3.
Variant type: single nucleotide variant.
Coding change: c.6982C>A on transcript NM_004369.4 (MANE Select); coding-DNA position 6982, C replaced by A.
Protein change: p.Pro2328Thr; replaces proline 2328 with threonine.
Molecular consequence: missense variant.
Genome position (GRCh38, 1-based): chr2:237,347,854, G>T on the plus strand (C>A on the coding strand, the complement: COL6A3 is on the minus strand). VCF-style: chr2-237347854-G-T. GRCh37 (hg19) VCF-style: chr2-238256497-G-T.
Other names: c.5161C>A, p.Pro1721Thr (NM_057166.5); c.6364C>A, p.Pro2122Thr (NM_057167.4); short protein forms P2328T, P1721T, P2122T.
Identifiers: ClinVar variation 476550 (VCV000476550.9), dbSNP rs371637449, ClinGen allele CA351207362.